The following is an entry in ClinVar:

NM_001267550.2(TTN):c.8380+1G>A

Gene: TTN (titin; minus strand). Cytogenetic location: 2q31.2.
Variant type: single nucleotide variant.
Coding change: c.8380+1G>A on transcript NM_001267550.2 (MANE Select); the canonical splice donor site of the intron after coding-DNA position 8380, G replaced by A.
Molecular consequence: splice donor variant.
Genome position (GRCh38, 1-based): chr2:178,770,411, C>T on the plus strand (G>A on the coding strand, the complement: TTN is on the minus strand). VCF-style: chr2-178770411-C-T. GRCh37 (hg19) VCF-style: chr2-179635138-C-T.
Other names: c.8242+1G>A (NM_003319.4, NM_133437.4, NM_133432.3); c.8380+1G>A (NM_133378.4, NM_001256850.1, NM_133379.5).
Identifiers: ClinVar variation 202430 (VCV000202430.5), dbSNP rs794729306, ClinGen allele CA309379.
Genomic context (GRCh38, chr2:178,770,411, plus strand): 5'-AGGGTTAACTTAATGGTAACCATGGGCTGACTGCTTGAAAAGTGTTTCTAAATCAACTTA[C>T]TCTCCACGTGCAGTCTGGCACTGGCTCCAAGCCTTCCAAGCCTGAAGCCATAAACAGACT-3'

ClinVar aggregate classification (germline): Conflicting classifications of pathogenicity. Review status: criteria provided, conflicting classifications (1 of 4 stars). 2 submissions from 2 submitters: Likely pathogenic (1); Uncertain significance (1). Last evaluated 2024-10-18.

Conditions:
Dilated cardiomyopathy 1G (CMD1G). Identifiers: Orphanet 154, MedGen C1858763, MONDO:0011400, OMIM 604145.
Autosomal recessive limb-girdle muscular dystrophy type 2J (LGMDR10). Also called: MUSCULAR DYSTROPHY, LIMB-GIRDLE, AUTOSOMAL RECESSIVE 10; Limb-girdle muscular dystrophy, type 2J. Identifiers: Orphanet 140922, MedGen C1837342, MONDO:0012127, OMIM 608807.

Submissions (2):

Labcorp Genetics (formerly Invitae), Labcorp
Classification: Likely pathogenic for Dilated cardiomyopathy 1G; Autosomal recessive limb-girdle muscular dystrophy type 2J. Last evaluated: 2024-10-18. Review status: criteria provided, single submitter. Criteria: Invitae Variant Classification Sherloc (09022015). Collection method: clinical testing. Allele origin: germline.
Comment: This sequence change affects a donor splice site in intron 35 of the TTN gene. It is expected to disrupt RNA splicing and likely results in a truncated or disrupted TTN protein. This variant is not present in population databases (gnomAD no frequency). This variant has not been reported in the literature in individuals affected with TTN-related conditions. ClinVar contains an entry for this variant (Variation ID: 202430). Algorithms developed to predict the effect of sequence changes on RNA splicing suggest that this variant may disrupt the consensus splice site. This variant is located in the I band of TTN (PMID: 25589632). Truncating variants in this region have been reported in individuals affected with autosomal recessive centronuclear myopathy (PMID: 23975875, internal data). Truncating variants in this region have also been identified in individuals affected with autosomal dominant dilated cardiomyopathy and/or cardio-related conditions (PMID: 27869827, 32964742, internal data). In summary, the currently available evidence indicates that the variant is pathogenic, but additional data are needed to prove that conclusively. Therefore, this variant has been classified as Likely Pathogenic.

GeneDx
Classification: Uncertain significance. Last evaluated: 2014-07-11. Review status: criteria provided, single submitter. Criteria: GeneDx Variant Classification (06012015). Collection method: clinical testing. Allele origin: germline. Affected: yes.
Comment: c.8380+1 G>A: IVS35+1 G>A in intron 35 of the TTN gene (NM_001256850.1). The c.8380+1 G>A variant has not been published as a mutation, nor has it been reported as a benign polymorphism to our knowledge. The c.8380+1 G>A variant was not observed in approximately 6,500 individuals of European and African American ancestry in the NHLBI Exome Sequencing Project, indicating it is not a common benign variant in these populations. This variant destroys the canonical splice donor site in intron 35 and is predicted to cause abnormal gene splicing. The mutation is predicted to lead to either an abnormal message that is subject to nonsense-mediated mRNA decay, or to an abnormal protein product if the message is used for protein translation. However, other truncating variants in the TTN gene have been reported in approximately 3% of reported control alleles (Herman et al., 2012). Furthermore, c.8380+1 G>A is not located in the A band region of titin, where the majority of truncating mutations associated with DCM have been reported (Herman et al., 2012).Therefore, based on the currently available information, it is unclear whether this variant is a pathogenic mutation or a rare benign variant. The variant is found in CARDIOMYOPATHY panel(s).

Literature cited by the submitters: PubMed 25589632 (cited by Labcorp Genetics (formerly Invitae), Labcorp); PubMed 23975875 (cited by Labcorp Genetics (formerly Invitae), Labcorp); PubMed 27869827 (cited by Labcorp Genetics (formerly Invitae), Labcorp); PubMed 32964742 (cited by Labcorp Genetics (formerly Invitae), Labcorp).